The following is an entry in ClinVar:

ClinVar aggregate classification (germline): Uncertain significance (1 of 4 stars; one submission).

Conditions:
Hyperkalemic periodic paralysis. Also called: Familial hyperkalemic periodic paralysis; Gamstorp disease. Identifiers: Orphanet 682, MedGen C0238357, MONDO:0008224, OMIM 170500, HP:0007215.

Submission:

Labcorp Genetics (formerly Invitae), Labcorp
Classification: Uncertain significance for Hyperkalemic periodic paralysis. Last evaluated: 2026-01-27. Review status: criteria provided, single submitter. Criteria: Invitae Variant Classification Sherloc (09022015). Collection method: clinical testing. Allele origin: germline.
Comment: This sequence change replaces cysteine, which is neutral and slightly polar, with tyrosine, which is neutral and polar, at codon 260 of the SCN4A protein (p.Cys260Tyr). This variant is not present in population databases (gnomAD no frequency). This variant has not been reported in the literature in individuals affected with SCN4A-related conditions. Invitae Evidence Modeling of protein sequence and biophysical properties (such as structural, functional, and spatial information, amino acid conservation, physicochemical variation, residue mobility, and thermodynamic stability) indicates that this missense variant is expected to disrupt SCN4A protein function with a positive predictive value of 80%. In summary, the available evidence is currently insufficient to determine the role of this variant in disease. Therefore, it has been classified as a Variant of Uncertain Significance.

NM_000334.4(SCN4A):c.779G>A (p.Cys260Tyr)

Gene: SCN4A (sodium voltage-gated channel alpha subunit 4; minus strand). Cytogenetic location: 17q23.3.
Variant type: single nucleotide variant.
Coding change: c.779G>A on transcript NM_000334.4 (MANE Select); coding-DNA position 779, G replaced by A.
Protein change: p.Cys260Tyr; replaces cysteine 260 with tyrosine.
Molecular consequence: missense variant.
Genome position (GRCh38, 1-based): chr17:63,968,280, C>T on the plus strand (G>A on the coding strand, the complement: SCN4A is on the minus strand). VCF-style: chr17-63968280-C-T. GRCh37 (hg19) VCF-style: chr17-62045640-C-T.
Other names: short protein forms C260Y.
Identifiers: ClinVar variation 4746992 (VCV004746992.1).
Genomic context (GRCh38, chr17:63,968,280, plus strand): 5'-CACTTCTGCCTCAGGTTTCCCATGAAGAGCTGCAGTCCTACCAGCGCAAAGACGCTCAGG[C>T]AGAAGACAGTGAGGATCATCACATCCGACAGCTTTTTCACCGACTGGATCAGGGCCCCCA-3'
Protein context (NP_000325.4, residues 250-270): LSDVMILTVF[Cys260Tyr]LSVFALVGLQ